The following is an entry in ClinVar:

ClinVar aggregate classification (germline): Conflicting classifications of pathogenicity. Review status: criteria provided, conflicting classifications (1 of 4 stars). 5 submissions from 5 submitters: Uncertain significance (1); Benign (1); Likely benign (2). 1 of the submissions does not count toward it. Last evaluated 2026-01-21.

Conditions:
LAMA2-related disorder. Also called: LAMA2-related condition; LAMA2-related disorders.
LAMA2-related muscular dystrophy (LAMA2-RD). Also called: Laminin alpha 2-related dystrophy. Identifiers: MedGen C5679788, MONDO:0100228.
Congenital muscular dystrophy due to partial LAMA2 deficiency. Identifiers: MedGen C1842898.

Allele frequency attached by ClinVar (database versions not stated): gnomAD 0.00002 and 0.00019; TOPMed 0.00005; gnomAD exomes 0.00025 and 0.00057; ExAC 0.00064; 1000 Genomes Project 0.00140.
gnomAD v4.1: 395 of 1,607,182 alleles (0.025%); highest among the groups gnomAD compares: South Asian, 0.4%; 3 homozygotes.

Submissions (6):

Labcorp Genetics (formerly Invitae), Labcorp
Classification: Benign for LAMA2-related muscular dystrophy. Last evaluated: 2026-01-21. Review status: criteria provided, single submitter. Criteria: Invitae Variant Classification Sherloc (09022015). Collection method: clinical testing. Allele origin: germline.

Blueprint Genetics
Classification: Likely benign. Last evaluated: 2024-11-19. Review status: criteria provided, single submitter. Criteria: ACMG Guidelines, 2015. Collection method: clinical testing. Allele origin: germline.

GeneDx
Classification: Likely benign. Last evaluated: 2018-12-21. Review status: criteria provided, single submitter. Criteria: GeneDx Variant Classification Process June 2021. Collection method: clinical testing. Allele origin: germline. Affected: yes.

Illumina Laboratory Services, Illumina
Classification: Uncertain significance for Congenital muscular dystrophy due to partial LAMA2 deficiency. Last evaluated: 2018-01-13. Review status: criteria provided, single submitter. Criteria: ICSL Variant Classification Criteria 13 December 2019. Collection method: clinical testing. Allele origin: germline.

PreventionGenetics, part of Exact Sciences
Classification: Likely benign for LAMA2-related condition. Last evaluated: 2024-01-23. Review status: no assertion criteria provided. Collection method: clinical testing. Allele origin: germline. Not counted in ClinVar's aggregate classification.
Comment: This variant is classified as likely benign based on ACMG/AMP sequence variant interpretation guidelines (Richards et al. 2015 PMID: 25741868, with internal and published modifications).

Dr. Peter K. Rogan Lab, Western University
No classification provided (evidence only). Condition: Ovarian serous cystadenocarcinoma. Review status: no classification provided. Collection method: in vitro. Allele origin: not applicable. Functional consequence: retained intron. Not counted in ClinVar's aggregate classification.

NM_000426.4(LAMA2):c.5072-10C>A

Gene: LAMA2 (laminin subunit alpha 2; plus strand). Cytogenetic location: 6q22.33.
Variant type: single nucleotide variant.
Coding change: c.5072-10C>A on transcript NM_000426.4 (MANE Select); 10 bases into the intron before coding-DNA position 5072, C replaced by A.
Molecular consequence: intron variant.
Genome position (GRCh38, 1-based): chr6:129,391,481, C>A. VCF-style: chr6-129391481-C-A. GRCh37 (hg19) VCF-style: chr6-129712626-C-A.
Other names: c.5072-10C>A (NM_001079823.2).
Identifiers: ClinVar variation 477480 (VCV000477480.24), dbSNP rs552989582, ClinGen allele CA3993772.